The following is an entry in ClinVar:

ClinVar aggregate classification (germline): Uncertain significance. Review status: criteria provided, multiple submitters, no conflicts (2 of 4 stars). 3 submissions from 3 submitters: Uncertain significance (2). 1 of the submissions does not count toward it. Last evaluated 2024-10-21.

Conditions:
Cystic fibrosis (CF). Also called: MUCOVISCIDOSIS. Identifiers: Orphanet 586, MedGen C0010674, MONDO:0009061, OMIM 219700. Disease mechanism: loss of function.
CFTR-related disorder (CFTR-RD). Also called: CFTR-related disorders; CFTR-related condition. Identifiers: MedGen C5924204, MONDO:7770004.

gnomAD v4.1: 2 of 1,614,036 alleles (0.00012%); highest among the groups gnomAD compares: Non-Finnish European, 0.00017%; no homozygotes.

Submissions (3):

Labcorp Genetics (formerly Invitae), Labcorp
Classification: Uncertain significance for Cystic fibrosis. Last evaluated: 2024-10-21. Review status: criteria provided, single submitter. Criteria: Invitae Variant Classification Sherloc (09022015). Collection method: clinical testing. Allele origin: germline.
Comment: This sequence change replaces leucine, which is neutral and non-polar, with phenylalanine, which is neutral and non-polar, at codon 320 of the CFTR protein (p.Leu320Phe). This variant is not present in population databases (gnomAD no frequency). This variant has not been reported in the literature in individuals affected with CFTR-related conditions. ClinVar contains an entry for this variant (Variation ID: 618560). Invitae Evidence Modeling of protein sequence and biophysical properties (such as structural, functional, and spatial information, amino acid conservation, physicochemical variation, residue mobility, and thermodynamic stability) indicates that this missense variant is not expected to disrupt CFTR protein function with a negative predictive value of 80%. In summary, the available evidence is currently insufficient to determine the role of this variant in disease. Therefore, it has been classified as a Variant of Uncertain Significance.

ARUP Laboratories, Molecular Genetics and Genomics, ARUP Laboratories
Classification: Uncertain significance. Last evaluated: 2017-11-09. Review status: criteria provided, single submitter. Criteria: ARUP Molecular Germline Variant Investigation Process. Collection method: clinical testing. Allele origin: germline.
Comment: The CFTR c.960A>C; p.Leu320Phe variant is published in the medical literature in one individual with infertility (Morea 2005) and listed in a gene-specific database in an individual with suspected cystic fibrosis (see link below). The variant is not listed in the ClinVar database, but is listed in the dbSNP variant database (rs56093012) and in the Genome Aggregation Database in 3/277024 alleles. Another variant in the same codon, c.958T>G; p.Leu320Val is classified as mildly pathogenic, and found in individuals with CFTR-related disorders (Dorfman 2010, Lucarelli 2010, Masson 2013, Pelletier 2010, Shrijver 2005). The leucine at this position is highly conserved, but computational algorithms (AlignGVGD, PolyPhen2, SIFT) predict this variant is tolerated. Considering available information, there is insufficient evidence to classify this variant with certainty. Link to CFTR L320F in database: Dorfman R et al. Do common in silico tools predict the clinical consequences of amino-acid substitutions in the CFTR gene? 2010 Clin Genet. 77(5):464-73. Lucarelli M et al. A new complex allele of the CFTR gene partially explains the variable phenotype of the L997F mutation. Genet Med. 2010 12(9):548-55. Masson E et al. A conservative assessment of the major genetic causes of idiopathic chronic pancreatitis: data from a comprehensive analysis of PRSS1, SPINK1, CTRC and CFTR genes in 253 young French patients. 2013 PLoS One. 8(8):e73522. Morea A et al. Gender-sensitive association of CFTR gene mutations and 5T allele emerging from a large survey on infertility. Mol Hum Reprod. 2005 Aug;11(8):607-14. Pelletier A et al. CFTR gene mutation in patients with apparently idiopathic pancreatitis: lack of phenotype-genotype correlation. Pancreatology. 2010 10(2-3):158-64. Schrijver I et al. Diagnostic testing by CFTR gene mutation analysis in a large group of Hispanics: novel mutations and assessment of a population-specific mutation spectrum. J Mol Diagn. 2015 7(2):289-99.

Natera, Inc.
Classification: Uncertain significance for CFTR-related disorders. Last evaluated: 2019-01-10. Review status: no assertion criteria provided. Collection method: clinical testing. Allele origin: germline. Not counted in ClinVar's aggregate classification.

NM_000492.4(CFTR):c.960A>C (p.Leu320Phe)

Gene: CFTR (CF transmembrane conductance regulator; plus strand). Cytogenetic location: 7q31.2.
Variant type: single nucleotide variant.
Coding change: c.960A>C on transcript NM_000492.4 (MANE Select); coding-DNA position 960, A replaced by C.
Protein change: p.Leu320Phe; replaces leucine 320 with phenylalanine.
Molecular consequence: missense variant.
Genome position (GRCh38, 1-based): chr7:117,540,190, A>C. VCF-style: chr7-117540190-A-C. GRCh37 (hg19) VCF-style: chr7-117180244-A-C.
Other names: short protein forms L320F.
Identifiers: ClinVar variation 618560 (VCV000618560.12), dbSNP rs56093012, ClinGen allele CA368978487.